The following is an entry in ClinVar:

ClinVar aggregate classification (germline): Conflicting classifications of pathogenicity. Review status: criteria provided, conflicting classifications (1 of 4 stars). 3 submissions from 3 submitters: Uncertain significance (1); Likely benign (2). Last evaluated 2025-08-12.

Conditions:
Dyskeratosis congenita, autosomal dominant 2. Identifiers: MedGen C3151443, MONDO:0013521, OMIM 613989.
Idiopathic Pulmonary Fibrosis. Also called: Idiopathic fibrosing alveolitis, chronic form; idiopathic fibrosing alveolitis. Identifiers: Orphanet 2032, MedGen C1800706, MeSH D054990, MONDO:0800504.
Dyskeratosis congenita. Identifiers: Orphanet 1775, MedGen C0265965, MONDO:0015780.

Allele frequency attached by ClinVar (database versions not stated): gnomAD exomes 0.00001 and 0.00002; TOPMed 0.00002.
gnomAD v4.1: 16 of 1,613,956 alleles (0.00099%); highest among the groups gnomAD compares: Admixed American, 0.005%; no homozygotes.

Submissions (3):

Labcorp Genetics (formerly Invitae), Labcorp
Classification: Likely benign for Dyskeratosis congenita, autosomal dominant 2; Idiopathic Pulmonary Fibrosis. Last evaluated: 2025-08-12. Review status: criteria provided, single submitter. Criteria: Invitae Variant Classification Sherloc (09022015). Collection method: clinical testing. Allele origin: germline.

Ambry Genetics
Classification: Likely benign for Dyskeratosis congenita. Last evaluated: 2025-03-10. Review status: criteria provided, single submitter. Criteria: Ambry Variant Classification Scheme 2023. Collection method: clinical testing. Allele origin: germline.

GeneDx
Classification: Uncertain significance. Last evaluated: 2024-02-06. Review status: criteria provided, single submitter. Criteria: GeneDx Variant Classification Process June 2021. Collection method: clinical testing. Allele origin: germline. Affected: yes.
Comment: In silico analysis supports that this missense variant does not alter protein structure/function; Has not been previously published as pathogenic or benign to our knowledge

NM_198253.3(TERT):c.2666G>A (p.Arg889Gln)

Gene: TERT (telomerase reverse transcriptase; minus strand). Cytogenetic location: 5p15.33.
Variant type: single nucleotide variant.
Coding change: c.2666G>A on transcript NM_198253.3 (MANE Select); coding-DNA position 2666, G replaced by A.
Protein change: p.Arg889Gln; replaces arginine 889 with glutamine.
Molecular consequence: missense variant. On other transcripts: intron variant (1).
Genome position (GRCh38, 1-based): chr5:1,264,581, C>T on the plus strand (G>A on the coding strand, the complement: TERT is on the minus strand). VCF-style: chr5-1264581-C-T. GRCh37 (hg19) VCF-style: chr5-1264696-C-T.
Other names: c.2654+1883G>A (NM_001193376.3); short protein forms R889Q.
Identifiers: ClinVar variation 471873 (VCV000471873.14), dbSNP rs532158398, ClinGen allele CA112938010.